The following is an entry in ClinVar:

ClinVar aggregate classification (germline): Uncertain significance (1 of 4 stars; one submission).

Conditions:
Acrofacial dysostosis Cincinnati type. Identifiers: Orphanet 1200, MedGen C4225317, MONDO:0014651, OMIM 616462.

Submission:

3billion
Classification: Uncertain significance for Acrofacial dysostosis Cincinnati type. Last evaluated: 2025-09-02. Review status: criteria provided, single submitter. Criteria: ACMG Guidelines, 2015. Collection method: clinical testing. Allele origin: germline. Affected: yes.
Comment: The variant is not observed in the gnomAD v4.1.0 dataset. Predicted Consequence/Location: Intron variant In silico tools predict the variant to alter splicing and produce an abnormal transcript [SpliceAI: 0.91 (>=0.2, moderate evidence for spliceogenicity)]. Therefore, this variant is classified as VUS according to the recommendation of ACMG/AMP guideline.

NM_015425.6(POLR1A):c.1867-663A>T

Gene: POLR1A (RNA polymerase I subunit A; minus strand). Cytogenetic location: 2p11.2.
Variant type: single nucleotide variant.
Coding change: c.1867-663A>T on transcript NM_015425.6 (MANE Select); 663 bases into the intron before coding-DNA position 1867, A replaced by T.
Molecular consequence: intron variant.
Genome position (GRCh38, 1-based): chr2:86,066,128, T>A on the plus strand (A>T on the coding strand, the complement: POLR1A is on the minus strand). VCF-style: chr2-86066128-T-A. GRCh37 (hg19) VCF-style: chr2-86293251-T-A.
Identifiers: ClinVar variation 4856096 (VCV004856096.1).
Genomic context (GRCh38, chr2:86,066,128, plus strand): 5'-AAATAACAGGGTGGGTCATAATATAGACTTGAGGTGAGGGGGATGGTCAGAAATAGCCTC[T>A]CCGAAGGGCAGTTTCACAGTTGAGGCCTGAGGGGTGAGCTGGCCAGTGTTGGGAGGAAGG-3'